The following is an entry in ClinVar:

ClinVar aggregate classification (germline): Uncertain significance. Review status: criteria provided, multiple submitters, no conflicts (2 of 4 stars). 2 submissions from 2 submitters: Uncertain significance (2). Last evaluated 2025-08-21.

Conditions:
Amyotrophic lateral sclerosis type 1 (ALS1). Also called: AMYOTROPHIC LATERAL SCLEROSIS 1, FAMILIAL. Identifiers: Orphanet 803, MedGen C1862939, MONDO:0007103, OMIM 105400.
Neuronopathy, distal hereditary motor, type 7B. Also called: Distal Hereditary Motor Neuronopathy Type 7B (dHMN7B); HMN VIIB; LOWER MOTOR NEURON DISEASE, DYNACTIN TYPE; NEURONOPATHY, DISTAL HEREDITARY MOTOR, AUTOSOMAL DOMINANT 14; NEURONOPATHY, DISTAL HEREDITARY MOTOR, HARDING TYPE VIIB; NEUROPATHY, DISTAL HEREDITARY MOTOR, HARDING TYPE VIIB. Identifiers: Orphanet 139589, MedGen C1843315, MONDO:0011879, OMIM 607641.
Perry syndrome. Also called: PARKINSONISM WITH ALVEOLAR HYPOVENTILATION AND MENTAL DEPRESSION. Identifiers: Orphanet 178509, MedGen C1868594, MONDO:0008201, OMIM 168605.
Charcot-Marie-Tooth disease type 2. Also called: Charcot-Marie-Tooth type 2. Identifiers: Orphanet 64746, MedGen C0270914, MONDO:0018993.

Allele frequency attached by ClinVar (database versions not stated): TOPMed below 0.00001; gnomAD exomes below 0.00001.
gnomAD v4.1: 5 of 1,614,176 alleles (0.00031%); highest among the groups gnomAD compares: South Asian, 0.0011%; no homozygotes.

Submissions (2):

Labcorp Genetics (formerly Invitae), Labcorp
Classification: Uncertain significance for Amyotrophic lateral sclerosis type 1; Neuronopathy, distal hereditary motor, type 7B; Perry syndrome. Last evaluated: 2025-08-21. Review status: criteria provided, single submitter. Criteria: Invitae Variant Classification Sherloc (09022015). Collection method: clinical testing. Allele origin: germline.
Comment: This sequence change replaces alanine, which is neutral and non-polar, with valine, which is neutral and non-polar, at codon 286 of the DCTN1 protein (p.Ala286Val). This variant is present in population databases (no rsID available, gnomAD no frequency). This variant has not been reported in the literature in individuals affected with DCTN1-related conditions. ClinVar contains an entry for this variant (Variation ID: 967804). Invitae Evidence Modeling of protein sequence and biophysical properties (such as structural, functional, and spatial information, amino acid conservation, physicochemical variation, residue mobility, and thermodynamic stability) indicates that this missense variant is not expected to disrupt DCTN1 protein function with a negative predictive value of 95%. In summary, the available evidence is currently insufficient to determine the role of this variant in disease. Therefore, it has been classified as a Variant of Uncertain Significance.

Laboratório de Neurologia Aplicada e Experimental, Faculdade de Medicina de Ribeirao Preto – Universidade de Sao Paulo
Classification: Uncertain significance for Charcot-Marie-Tooth disease type 2. Last evaluated: 2021-07-20. Review status: criteria provided, single submitter. Criteria: ACMG Guidelines, 2015. Collection method: research. Allele origin: germline. Inheritance: Autosomal dominant inheritance. Affected: yes. Observed: 2 variant alleles, 2 heterozygotes.
Comment: The c.857C>T (p.Ala286Val) variant in the DCTN1 gene has not been described in the literature to our knowledge. Our lab found it in one family, in heterozygous, in two young brothers with CMT2 phenotype. This variant replaces Alanine with Valine at codon 286 of the DCTN1 protein that is highly conserved across different species. This variant is present in the GnomAD population database (rs896989123; 0.04003e-4) at a low frequency, but absent from the ABraOM population database, suggesting it is not a common benign variant in these populations. ClinVar contains an entry for this variant (Variation ID: 967804), and it is classified as Uncertain significance, 1 star. In summary, the available evidence is insufficient to determine the clinical significance of this variant. Therefore, it has been classified as a variant of uncertain significance (VUS).

NM_004082.5(DCTN1):c.857C>T (p.Ala286Val)

Gene: DCTN1 (dynactin subunit 1; minus strand). Cytogenetic location: 2p13.1.
Variant type: single nucleotide variant.
Coding change: c.857C>T on transcript NM_004082.5 (MANE Select); coding-DNA position 857, C replaced by T.
Protein change: p.Ala286Val; replaces alanine 286 with valine.
Molecular consequence: missense variant. On other transcripts: non-coding transcript variant (1).
Genome position (GRCh38, 1-based): chr2:74,370,812, G>A on the plus strand (C>T on the coding strand, the complement: DCTN1 is on the minus strand). VCF-style: chr2-74370812-G-A. GRCh37 (hg19) VCF-style: chr2-74597939-G-A.
Other names: chr2-74370812-G-A; p.Ala286Val; c.797C>T, p.Ala266Val (NM_001135040.3); c.455C>T, p.Ala152Val (NM_001135041.3, NM_023019.4); c.746C>T, p.Ala249Val (NM_001190836.2); c.836C>T, p.Ala279Val (NM_001190837.2); c.806C>T, p.Ala269Val (NM_001378991.1); c.788C>T, p.Ala263Val (NM_001378992.1); short protein forms A266V, A279V, A152V, A249V, A263V, A269V, A286V.
Identifiers: ClinVar variation 967804 (VCV000967804.31), dbSNP rs896989123, ClinGen allele CA50477078.
Genomic context (GRCh38, chr2:74,370,812, plus strand): 5'-ATCTCAATGGCATCAGCAGTATCAGCCATCTCCTCCATATAGCGTTCCTTTGCCTCCAGC[G>A]CCTCCTTGGCTTCCTGAGGAAGAAGTGGAGGTGGGAGGGGGTACCAGCACAGAGATGCCC-3'
Protein context (NP_004073.2, residues 276-296): LKEARKEAKE[Ala286Val]LEAKERYMEE